The following is an entry in ClinVar:

ClinVar aggregate classification (germline): Benign/Likely benign. Review status: criteria provided, multiple submitters, no conflicts (2 of 4 stars). 2 submissions from 2 submitters: Benign (1); Likely benign (1). Last evaluated 2024-10-23.

Allele frequency attached by ClinVar (database versions not stated): gnomAD exomes 0.00008; TOPMed 0.00008; gnomAD 0.00009; ExAC 0.00015; 1000 Genomes Project 30x 0.00016; 1000 Genomes Project 0.00020.
gnomAD v4.1: 123 of 1,613,896 alleles (0.0076%); highest among the groups gnomAD compares: East Asian, 0.1%; no homozygotes.

Submissions (2):

Labcorp Genetics (formerly Invitae), Labcorp
Classification: Benign. Last evaluated: 2024-10-23. Review status: criteria provided, single submitter. Criteria: Invitae Variant Classification Sherloc (09022015). Collection method: clinical testing. Allele origin: germline.

CeGaT Center for Human Genetics Tuebingen
Classification: Likely benign. Last evaluated: 2024-07-01. Review status: criteria provided, single submitter. Criteria: CeGaT Center For Human Genetics Tuebingen Variant Classification Criteria Version 2. Collection method: clinical testing. Allele origin: germline. Affected: yes. Observed: 1 variant allele.
Comment: NFIA: PP2, BS2

NM_001134673.4(NFIA):c.*11G>A

Gene: NFIA (nuclear factor I A; plus strand). Cytogenetic location: 1p31.3.
Variant type: single nucleotide variant.
Coding change: c.*11G>A on transcript NM_001134673.4 (MANE Select); 11 bases downstream of the stop codon, G replaced by A.
Molecular consequence: 3 prime UTR variant. On other transcripts: synonymous variant (1).
Genome position (GRCh38, 1-based): chr1:61,455,331, G>A. VCF-style: chr1-61455331-G-A. GRCh37 (hg19) VCF-style: chr1-61921003-G-A.
Other names: c.*11G>A (NM_001145511.2, NM_001145512.2); c.1449G>A, p.Ala483= (NM_005595.5).
Identifiers: ClinVar variation 2199239 (VCV002199239.21), dbSNP rs115287620, ClinGen allele CA881326.